The following is an entry in ClinVar:

ClinVar aggregate classification (germline): Uncertain significance. Review status: criteria provided, multiple submitters, no conflicts (2 of 4 stars). 5 submissions from 5 submitters: Uncertain significance (4). 1 of the submissions does not count toward it. Last evaluated 2026-01-06.

Conditions:
Intellectual disability. Also called: Intellectual developmental disorder; Intellectual functioning disability; intellectual disabilities. Identifiers: MedGen C3714756, MeSH D008607, MONDO:0001071, HP:0001249.
DIAPH1-related disorder. Also called: DIAPH1-related condition.
Autosomal dominant nonsyndromic hearing loss 1. Also called: DEAFNESS, AUTOSOMAL DOMINANT 1, WITH OR WITHOUT THROMBOCYTOPENIA; KONIGSMARK SYNDROME. Identifiers: Orphanet 90635, MedGen C1852282, MONDO:0007424, OMIM 124900.
Progressive microcephaly-seizures-cortical blindness-developmental delay syndrome. Also called: Seizures, cortical blindness, and microcephaly syndrome. Identifiers: Orphanet 477814, MedGen C5567650, MONDO:0014714, OMIM 616632.

Allele frequency attached by ClinVar (database versions not stated): 1000 Genomes Project 0.00020; ESP Exome Variant Server 0.00008; ExAC 0.00003; gnomAD exomes 0.00004 and 0.00010; gnomAD 0.00006; 1000 Genomes Project 30x 0.00016; TOPMed 0.00011.
gnomAD v4.1: 156 of 1,613,808 alleles (0.0097%); highest among the groups gnomAD compares: Non-Finnish European, 0.013%; no homozygotes.

Submissions (5):

Labcorp Genetics (formerly Invitae), Labcorp
Classification: Uncertain significance for Progressive microcephaly-seizures-cortical blindness-developmental delay syndrome; Autosomal dominant nonsyndromic hearing loss 1. Last evaluated: 2026-01-06. Review status: criteria provided, single submitter. Criteria: Invitae Variant Classification Sherloc (09022015). Collection method: clinical testing. Allele origin: germline.
Comment: This sequence change replaces arginine, which is basic and polar, with tryptophan, which is neutral and slightly polar, at codon 934 of the DIAPH1 protein (p.Arg934Trp). This variant is present in population databases (rs200688040, gnomAD 0.006%). This variant has not been reported in the literature in individuals affected with DIAPH1-related conditions. ClinVar contains an entry for this variant (Variation ID: 573683). An algorithm developed to predict the effect of missense changes on protein structure and function (PolyPhen-2) suggests that this variant is likely to be disruptive. In summary, the available evidence is currently insufficient to determine the role of this variant in disease. Therefore, it has been classified as a Variant of Uncertain Significance.

GeneDx
Classification: Uncertain significance. Last evaluated: 2024-11-07. Review status: criteria provided, single submitter. Criteria: GeneDx Variant Classification Process June 2021. Collection method: clinical testing. Allele origin: germline. Affected: yes.
Comment: In silico analysis supports that this missense variant has a deleterious effect on protein structure/function; Has not been previously published as pathogenic or benign to our knowledge

Cambridge Genomics Laboratory, East Genomic Laboratory Hub, NHS Genomic Medicine Service
Classification: Uncertain significance for Intellectual disability. Last evaluated: 2019-04-17. Review status: criteria provided, single submitter. Criteria: ACGS Best Practice Guidelines for Variant Classification in Rare Disease 2020. Collection method: clinical testing. Allele origin: germline. Affected: yes. Observed: 1 variant allele.

Illumina Laboratory Services, Illumina
Classification: Uncertain significance for Autosomal dominant nonsyndromic hearing loss 1. Last evaluated: 2018-01-13. Review status: criteria provided, single submitter. Criteria: ICSL Variant Classification Criteria 13 December 2019. Collection method: clinical testing. Allele origin: germline.

PreventionGenetics, part of Exact Sciences
Classification: Uncertain significance for DIAPH1-related condition. Last evaluated: 2024-01-17. Review status: no assertion criteria provided. Collection method: clinical testing. Allele origin: germline. Not counted in ClinVar's aggregate classification.
Comment: The DIAPH1 c.2800C>T variant is predicted to result in the amino acid substitution p.Arg934Trp. To our knowledge, this variant has not been reported in the literature. This variant is reported in 0.0062% of alleles in individuals of European (Non-Finnish) descent in gnomAD. At this time, the clinical significance of this variant is uncertain due to the absence of conclusive functional and genetic evidence.

NM_005219.5(DIAPH1):c.2800C>T (p.Arg934Trp)

Gene: DIAPH1 (diaphanous related formin 1; minus strand). Cytogenetic location: 5q31.3.
Variant type: single nucleotide variant.
Coding change: c.2800C>T on transcript NM_005219.5 (MANE Select); coding-DNA position 2800, C replaced by T.
Protein change: p.Arg934Trp; replaces arginine 934 with tryptophan.
Molecular consequence: missense variant.
Genome position (GRCh38, 1-based): chr5:141,528,920, G>A on the plus strand (C>T on the coding strand, the complement: DIAPH1 is on the minus strand). VCF-style: chr5-141528920-G-A. GRCh37 (hg19) VCF-style: chr5-140908487-G-A.
Other names: c.2773C>T, p.Arg925Trp (NM_001079812.3); c.2800C>T, p.Arg934Trp (NM_001314007.2); short protein forms R934W, R925W.
Identifiers: ClinVar variation 573683 (VCV000573683.17), dbSNP rs200688040, ClinGen allele CA3478947.